The following is an entry in ClinVar:

NM_003068.5(SNAI2):c.472T>C (p.Ser158Pro)

Gene: SNAI2 (snail family transcriptional repressor 2; minus strand). Cytogenetic location: 8q11.21.
Variant type: single nucleotide variant.
Coding change: c.472T>C on transcript NM_003068.5 (MANE Select); coding-DNA position 472, T replaced by C.
Protein change: p.Ser158Pro; replaces serine 158 with proline.
Molecular consequence: missense variant.
Genome position (GRCh38, 1-based): chr8:48,920,049, A>G on the plus strand (T>C on the coding strand, the complement: SNAI2 is on the minus strand). VCF-style: chr8-48920049-A-G. GRCh37 (hg19) VCF-style: chr8-49832608-A-G.
Other names: short protein forms S158P.
Identifiers: ClinVar variation 2810323 (VCV002810323.3), dbSNP rs2536070407, ClinGen allele CA371183947.
Genomic context (GRCh38, chr8:48,920,049, plus strand): 5'-TATGCATCTTCAGGGCGCCCAGGCTCACATATTCCTTGTCACAGTATTTACAGCTGAAAG[A>G]TTTTCTAGACTGGGCATCGCAGTGCAGCTGCTTATGTTTGGCCAGCCCAGAAAAAGTTGA-3'
Protein context (NP_003059.1, residues 148-168): QLHCDAQSRK[Ser158Pro]FSCKYCDKEY

ClinVar aggregate classification (germline): Uncertain significance (1 of 4 stars; one submission).

Allele frequency attached by ClinVar (database versions not stated): gnomAD exomes below 0.00001.

Submission:

Labcorp Genetics (formerly Invitae), Labcorp
Classification: Uncertain significance. Last evaluated: 2022-10-28. Review status: criteria provided, single submitter. Criteria: Invitae Variant Classification Sherloc (09022015). Collection method: clinical testing. Allele origin: germline.
Comment: This sequence change replaces serine, which is neutral and polar, with proline, which is neutral and non-polar, at codon 158 of the SNAI2 protein (p.Ser158Pro). This variant is not present in population databases (gnomAD no frequency). In summary, the available evidence is currently insufficient to determine the role of this variant in disease. Therefore, it has been classified as a Variant of Uncertain Significance. Algorithms developed to predict the effect of missense changes on protein structure and function are either unavailable or do not agree on the potential impact of this missense change (SIFT: "Deleterious"; PolyPhen-2: "Benign"; Align-GVGD: "Class C65"). This variant has not been reported in the literature in individuals affected with SNAI2-related conditions.